The following is an entry in ClinVar:

ClinVar aggregate classification (germline): Likely benign (0 of 4 stars; one submission).

Conditions:
AMZ2-related disorder. Also called: AMZ2-related condition.

Allele frequency attached by ClinVar (database versions not stated): ESP Exome Variant Server 0.00046.
gnomAD v4.1: 386 of 1,613,920 alleles (0.024%); highest among the groups gnomAD compares: Non-Finnish European, 0.031%; 1 homozygote.

Submission:

PreventionGenetics, part of Exact Sciences
Classification: Likely benign for AMZ2-related condition. Last evaluated: 2019-09-18. Review status: no assertion criteria provided. Collection method: clinical testing. Allele origin: germline.
Comment: This variant is classified as likely benign based on ACMG/AMP sequence variant interpretation guidelines (Richards et al. 2015 PMID: 25741868, with internal and published modifications).

NM_016627.5(AMZ2):c.768C>T (p.Ile256=)

Gene: AMZ2 (archaelysin family metallopeptidase 2; plus strand). Cytogenetic location: 17q24.2.
Variant type: single nucleotide variant.
Coding change: c.768C>T on transcript NM_016627.5 (MANE Select); coding-DNA position 768, C replaced by T.
Protein change: p.Ile256=; no amino-acid change (isoleucine 256 retained).
Molecular consequence: synonymous variant. On other transcripts: non-coding transcript variant (2).
Genome position (GRCh38, 1-based): chr17:68,255,717, C>T. VCF-style: chr17-68255717-C-T. GRCh37 (hg19) VCF-style: chr17-66251858-C-T.
Other names: c.768C>T, p.Ile256= (NM_001033569.2, NM_001033570.2, NM_001033571.1 and 12 more transcripts); c.594C>T, p.Ile198= (NM_001033574.2, NM_001346480.1); c.666C>T, p.Ile222= (NM_001346481.1, NM_001346482.1, NM_001346483.2 and 1 more transcripts); c.600C>T, p.Ile200= (NM_001346485.2).
Identifiers: ClinVar variation 3041066 (VCV003041066.2), dbSNP rs138911562, ClinGen allele CA8727638.
Genomic context (GRCh38, chr17:68,255,717, plus strand): 5'-TGTGATGGTGGTCTTATAAAGCCTCAACATGATTGTCTTGCAGACTTTAACCCATGAGAT[C>T]GGACACATATTTGGACTGCGACACTGCCAGTGGCTTGCATGCCTCATGCAAGGCTCCAAC-3'
Protein context (NP_057711.3, residues 246-266): LRSCKTLTHE[Ile256=]GHIFGLRHCQ